The following is an entry in ClinVar:

NM_021224.6(ZNF462):c.5264A>G (p.Gln1755Arg)

Gene: ZNF462 (zinc finger protein 462; plus strand). Cytogenetic location: 9q31.2.
Variant type: single nucleotide variant.
Coding change: c.5264A>G on transcript NM_021224.6 (MANE Select); coding-DNA position 5264, A replaced by G.
Protein change: p.Gln1755Arg; replaces glutamine 1755 with arginine.
Molecular consequence: missense variant. On other transcripts: intron variant (1).
Genome position (GRCh38, 1-based): chr9:106,929,176, A>G. VCF-style: chr9-106929176-A-G. GRCh37 (hg19) VCF-style: chr9-109691457-A-G.
Other names: c.3253-1349A>G (NM_001347997.2); short protein forms Q1755R.
Identifiers: ClinVar variation 2544715 (VCV002544715.2), dbSNP rs1437222488, ClinGen allele CA374414184.
Genomic context (GRCh38, chr9:106,929,176, plus strand): 5'-CCATCAGCGACAAGCCCAACAAAGTGATCATCCCATCCCCGCCCAAGGACGACTCCCCTC[A>G]GCTGAGCGAGGAACTCCGGCGGGCAGTGGAGAAGAAAAAGTGCTCCTTGTGCTCTTTCCA-3'
Protein context (NP_067047.4, residues 1745-1765): IPSPPKDDSP[Gln1755Arg]LSEELRRAVE

ClinVar aggregate classification (germline): Uncertain significance (1 of 4 stars; one submission).

Conditions:
Inborn genetic diseases. Identifiers: MedGen C0950123, MeSH D030342.

Allele frequency attached by ClinVar (database versions not stated): gnomAD exomes 0.00001; TOPMed 0.00001.
gnomAD v4.1: 18 of 1,614,162 alleles (0.0011%); highest among the groups gnomAD compares: Non-Finnish European, 0.0015%; no homozygotes.

Submission:

Ambry Genetics
Classification: Uncertain significance for Inborn genetic diseases. Last evaluated: 2023-05-05. Review status: criteria provided, single submitter. Criteria: Ambry Variant Classification Scheme 2023. Collection method: clinical testing. Allele origin: germline.
Comment: The c.5264A>G (p.Q1755R) alteration is located in exon 3 (coding exon 2) of the ZNF462 gene. This alteration results from an A to G substitution at nucleotide position 5264, causing the glutamine (Q) at amino acid position 1755 to be replaced by an arginine (R). Based on data from gnomAD, the G allele has an overall frequency of 0.001% (1/251406) total alleles studied. The highest observed frequency was 0.001% (1/113714) of European (non-Finnish) alleles. This amino acid position is not well conserved in available vertebrate species. This alteration is predicted to be tolerated by in silico analysis. Based on insufficient or conflicting evidence, the clinical significance of this alteration remains unclear.